The following is an entry in ClinVar:

NM_000218.3(KCNQ1):c.1355G>A (p.Arg452Gln)

Gene: KCNQ1 (potassium voltage-gated channel subfamily Q member 1; plus strand). Cytogenetic location: 11p15.5.
Variant type: single nucleotide variant.
Coding change: c.1355G>A on transcript NM_000218.3 (MANE Select); coding-DNA position 1355, G replaced by A.
Protein change: p.Arg452Gln; replaces arginine 452 with glutamine.
Molecular consequence: missense variant.
Genome position (GRCh38, 1-based): chr11:2,588,816, G>A. VCF-style: chr11-2588816-G-A. GRCh37 (hg19) VCF-style: chr11-2610046-G-A.
Other names: p.R452Q:CGG>CAG; c.1259G>A, p.Arg420Gln (NM_001406836.1); c.1085G>A, p.Arg362Gln (NM_001406837.1); c.815G>A, p.Arg272Gln (NM_001406838.1); c.974G>A, p.Arg325Gln (NM_181798.2); c.1355G>A (LRG_287t1); short protein forms R452Q, R325Q, R272Q, R362Q, R420Q.
Identifiers: ClinVar variation 67030 (VCV000067030.36), dbSNP rs145229963, ClinGen allele CA005679.

ClinVar aggregate classification (germline): Conflicting classifications of pathogenicity. Review status: criteria provided, conflicting classifications (1 of 4 stars). 10 submissions from 10 submitters: Uncertain significance (8); Likely benign (1). 1 of the submissions does not count toward it. Last evaluated 2026-05-18.

Conditions:
Cardiac arrhythmia. Also called: Arrhythmia; Cardiac rhythm disease. Identifiers: MedGen C0003811, MONDO:0007263, HP:0011675.
KCNQ1-related disorder. Also called: KCNQ1-related condition; KCNQ1-related disorders. Identifiers: MedGen CN239322.
Cardiovascular phenotype. Identifiers: MedGen CN230736.
Long QT syndrome 1 (LQT1). Identifiers: Orphanet 101016, Orphanet 768, MedGen C4551647, MONDO:0100316, OMIM 192500, MONDO:0008646.
Short QT syndrome type 2. Identifiers: Orphanet 51083, MedGen C1865019, MONDO:0012313, OMIM 609621.
Beckwith-Wiedemann syndrome (BWS). Also called: EMG SYNDROME; Exomphalos macroglossia gigantism syndrome. Identifiers: Orphanet 116, MedGen C0004903, MONDO:0007534, OMIM 130650.
Jervell and Lange-Nielsen syndrome 1 (JLNS1). Also called: CARDIOAUDITORY SYNDROME OF JERVELL AND LANGE-NIELSEN; DEAFNESS, CONGENITAL, AND FUNCTIONAL HEART DISEASE; PROLONGED QT INTERVAL IN EKG AND SUDDEN DEATH; SURDO-CARDIAC SYNDROME. Identifiers: Orphanet 768, Orphanet 90647, MedGen C4551509, MONDO:0024540, OMIM 220400.
Atrial fibrillation, familial, 3 (ATFB3). Identifiers: MedGen C1837014, MONDO:0011857, OMIM 607554.
Long QT syndrome (LQTS). Identifiers: MedGen C0023976, MeSH D008133, MONDO:0002442. Disease mechanism: loss of function. Inheritance: Various modes of inheritance.

Allele frequency attached by ClinVar (database versions not stated): ExAC 0.00008; TOPMed 0.00014; ESP Exome Variant Server 0.00015; gnomAD 0.00025.
gnomAD v4.1: 275 of 1,613,016 alleles (0.017%); highest among the groups gnomAD compares: Non-Finnish European, 0.022%; no homozygotes.

Submissions (10):

PreventionGenetics, part of Exact Sciences
Classification: Uncertain significance for KCNQ1-related condition. Last evaluated: 2026-05-18. Review status: criteria provided, single submitter. Criteria: ACMG Guidelines, 2015. Collection method: clinical testing. Allele origin: germline.
Comment: The KCNQ1 c.1355G>A variant is predicted to result in the amino acid substitution p.Arg452Gln. This variant has been reported in individuals affected with long QT syndrome as well as in healthy controls (Table SI, Kapa et al. 2009. PubMed ID: 19841300; Table S1, Ruwald et al. 2015. PubMed ID: 26318259; Clemens et al. 2017. PubMed ID: 29197658). This variant is reported in 0.020% of alleles in individuals of European (non-Finnish) descent in gnomAD. At this time, the clinical significance of this variant is uncertain due to the absence of conclusive functional and genetic evidence.

Labcorp Genetics (formerly Invitae), Labcorp
Classification: Uncertain significance for Long QT syndrome. Last evaluated: 2025-12-29. Review status: criteria provided, single submitter. Criteria: Invitae Variant Classification Sherloc (09022015). Collection method: clinical testing. Allele origin: germline.
Comment: This sequence change replaces arginine, which is basic and polar, with glutamine, which is neutral and polar, at codon 452 of the KCNQ1 protein (p.Arg452Gln). This variant is present in population databases (rs145229963, gnomAD 0.02%). This missense change has been observed in individual(s) with KCNQ1-related conditions (PMID: 26318259). ClinVar contains an entry for this variant (Variation ID: 67030). Invitae Evidence Modeling of protein sequence and biophysical properties (such as structural, functional, and spatial information, amino acid conservation, physicochemical variation, residue mobility, and thermodynamic stability) indicates that this missense variant is not expected to disrupt KCNQ1 protein function with a negative predictive value of 95%. In summary, the available evidence is currently insufficient to determine the role of this variant in disease. Therefore, it has been classified as a Variant of Uncertain Significance.

All of Us Research Program, National Institutes of Health
Classification: Uncertain significance for Long QT syndrome. Last evaluated: 2024-09-23. Review status: criteria provided, single submitter. Criteria: ACMG Guidelines, 2015. Collection method: clinical testing. Allele origin: germline. Inheritance: Autosomal dominant inheritance. Observed: 29 variant alleles, 29 heterozygotes.
Comment: This missense variant replaces arginine with glutamine at codon 452 of the KCNQ1 protein. Computational prediction is inconclusive regarding the impact of this variant on protein structure and function (internally defined REVEL score threshold 0.5 < inconclusive < 0.7, PMID: 27666373). To our knowledge, functional studies have not been reported for this variant. This variant has not been reported in individuals affected with cardiovascular disorders in the literature. This variant has been identified in 31/281090 chromosomes in the general population by the Genome Aggregation Database (gnomAD). The available evidence is insufficient to determine the role of this variant in disease conclusively. Therefore, this variant is classified as a Variant of Uncertain Significance.

This study involves interpretation of variants in research participants for the purpose of population health screening. Participant phenotype was not available at the time of variant classification. Additional details can be found in publication PMID: 35346344, PMCID: PMC8962531

Color Diagnostics, LLC DBA Color Health
Classification: Uncertain significance for Cardiac arrhythmia. Last evaluated: 2024-06-07. Review status: criteria provided, single submitter. Criteria: ACMG Guidelines, 2015. Collection method: clinical testing. Allele origin: germline.
Comment: This missense variant replaces arginine with glutamine at codon 452 of the KCNQ1 protein. Computational prediction is inconclusive regarding the impact of this variant on protein structure and function (internally defined REVEL score threshold 0.5 < inconclusive < 0.7, PMID: 27666373). To our knowledge, functional studies have not been reported for this variant. This variant has been reported in an individual affected with long QT syndrome (PMID: 26318259). This variant has been identified in 31/281090 chromosomes in the general population by the Genome Aggregation Database (gnomAD). The available evidence is insufficient to determine the role of this variant in disease conclusively. Therefore, this variant is classified as a Variant of Uncertain Significance.

GeneDx
Classification: Uncertain significance. Last evaluated: 2024-02-21. Review status: criteria provided, single submitter. Criteria: GeneDx Variant Classification Process June 2021. Collection method: clinical testing. Allele origin: germline. Affected: yes.
Comment: Reported in two individuals from one family with LQTS and present in control cohorts (PMID: 26318259, 19841300); In silico analysis supports that this missense variant does not alter protein structure/function; This variant is associated with the following publications: (PMID: 19841300, 22581653, 25854863, 22949429, 29197658, 31696929, 26318259)

New York Genome Center
Classification: Uncertain significance for Atrial fibrillation, familial, 3; Long QT syndrome 1; Short QT syndrome type 2. Last evaluated: 2023-05-15. Review status: criteria provided, single submitter. Criteria: NYGC Assertion Criteria 2020. Collection method: clinical testing. Allele origin: germline. Observed: 1 heterozygote.
Comment: The c.1355G>A p.(Arg452Gln) missense variant identified in the KCNQ1 gene has been reported in the literature in individuals affected with Arrhythmia and long QT syndrome type 1 as well as in healthy controls (PMID: 19841300, 26318259, 29197658). The c.1355G>A variant has been deposited in ClinVar with conflicting interpretations of pathogenicity by multiple submitters, including ten Uncertain significance and one Likely benign entry [ClinVar ID: 67030]. The variant has an allele frequency of 0.0000951 (56 out of 588,570 heterozygous alleles, no homozygotes) in population databases (gnomAD v2.1.1 and v3.1.2,TOPMed Freeze 8). The c.1355G>A The c.1355G>A variant is located in exon 10 of this 16-exon gene and is predicted to replace a moderately conserved arginine residue with glutamine at position 452 of the encoded protein. In silico predictions are in favor of the variants damaging effect [REVEL = 0.644]; however, functional studies to support or refute these predictions have not been reported. Due to the lack of compelling evidence for its pathogenicity, the c.1355G>Ap.(Arg452Gln) missense variant identified in the KCNQ1 gene is reported as a Variant of Uncertain Significance.

Ambry Genetics
Classification: Likely benign for Cardiovascular phenotype. Last evaluated: 2023-03-13. Review status: criteria provided, single submitter. Criteria: Ambry Variant Classification Scheme 2023. Collection method: clinical testing. Allele origin: germline.

Fulgent Genetics
Classification: Uncertain significance for Beckwith-Wiedemann syndrome; Long QT syndrome 1; Jervell and Lange-Nielsen syndrome 1; Atrial fibrillation, familial, 3; Short QT syndrome type 2. Last evaluated: 2022-02-03. Review status: criteria provided, single submitter. Criteria: ACMG Guidelines, 2015. Collection method: clinical testing. Allele origin: unknown.

Women's Health and Genetics/Laboratory Corporation of America, LabCorp
Classification: Uncertain significance. Last evaluated: 2020-08-17. Review status: criteria provided, single submitter. Criteria: LabCorp Variant Classification Summary - May 2015. Collection method: clinical testing. Allele origin: germline.
Comment: Variant summary: KCNQ1 c.1355G>A (p.Arg452Gln) results in a conservative amino acid change in the encoded protein sequence. Four of five in-silico tools predict a benign effect of the variant on protein function. The variant allele was found at a frequency of 0.00011 in 283970 control chromosomes (gnomAD and publication data). The observed variant frequency is approximately 1.1 fold of the estimated maximal expected allele frequency for a pathogenic variant in KCNQ1 causing Arrhythmia phenotype (0.0001), strongly suggesting that the variant is benign. c.1355G>A has been reported in the literature in individuals affected with Arrhythmia and long QT syndrome type 1 as well as in healthy controls (Kapa_2009, Ruwald_2016, Clemens_2018, Li_2019). These reports do not provide unequivocal conclusions about association of the variant with Arrhythmia. To our knowledge, no experimental evidence demonstrating an impact on protein function has been reported. Six ClinVar submitters (evaluation after 2014) cite the variant as uncertain significance. Based on the evidence outlined above, the variant was classified as VUS-possibly benign.

Cardiovascular Biomedical Research Unit, Royal Brompton & Harefield NHS Foundation Trust
No classification provided. Review status: no classification provided. Collection method: literature only. Allele origin: germline. Not counted in ClinVar's aggregate classification.
Comment: This variant has been reported in the following publications (PMID:19841300).

Literature cited by the submitters: PubMed 26318259 (cited by 4 submitters); PubMed 19841300 (cited by 3 submitters); PubMed 31696929 (cited by Ambry Genetics and Women's Health and Genetics/Laboratory Corporation of America, LabCorp); PubMed 25649125 (cited by Women's Health and Genetics/Laboratory Corporation of America, LabCorp); PubMed 25854863 (cited by Women's Health and Genetics/Laboratory Corporation of America, LabCorp); PubMed 29197658 (cited by Women's Health and Genetics/Laboratory Corporation of America, LabCorp); PubMed 22581653 (cited by Cardiovascular Biomedical Research Unit, Royal Brompton & Harefield NHS Foundation Trust).